The following is an entry in ClinVar:

ClinVar aggregate classification (germline): Conflicting classifications of pathogenicity. Review status: criteria provided, conflicting classifications (1 of 4 stars). 2 submissions from 2 submitters: Uncertain significance (1); Likely benign (1). Last evaluated 2026-09-01.

Allele frequency attached by ClinVar (database versions not stated): TOPMed 0.00004; gnomAD exomes 0.00006; ExAC 0.00009.
gnomAD v4.1: 25 of 1,211,677 alleles (0.0021%); highest among the groups gnomAD compares: Admixed American, 0.054%; no homozygotes.

Submissions (2):

CeGaT Center for Human Genetics Tuebingen
Classification: Likely benign. Last evaluated: 2026-09-01. Review status: criteria provided, single submitter. Criteria: CeGaT Center For Human Genetics Tuebingen Variant Classification Criteria Version 2. Collection method: clinical testing. Allele origin: germline. Affected: yes. Observed: 1 variant allele.
Comment: IRS4: BS2

Ambry Genetics
Classification: Uncertain significance. Last evaluated: 2024-12-25. Review status: criteria provided, single submitter. Criteria: Ambry Variant Classification Scheme 2023. Collection method: clinical testing. Allele origin: germline.

NM_001379150.1(IRS4):c.3676C>A (p.Pro1226Thr)

Gene: IRS4 (insulin receptor substrate 4; minus strand). Cytogenetic location: Xq22.3.
Variant type: single nucleotide variant.
Coding change: c.3676C>A on transcript NM_001379150.1 (MANE Select); coding-DNA position 3676, C replaced by A.
Protein change: p.Pro1226Thr; replaces proline 1226 with threonine.
Molecular consequence: missense variant.
Genome position (GRCh38, 1-based): chrX:108,732,669, G>T on the plus strand (C>A on the coding strand, the complement: IRS4 is on the minus strand). VCF-style: chrX-108732669-G-T. GRCh37 (hg19) VCF-style: chrX-107975899-G-T.
Other names: c.3676C>A, p.Pro1226Thr (NM_003604.2); short protein forms P1226T.
Identifiers: ClinVar variation 2348085 (VCV002348085.4), dbSNP rs759723131, ClinGen allele CA10489490.